The following is an entry in ClinVar:

ClinVar aggregate classification (germline): Uncertain significance (1 of 4 stars; one submission).

Submission:

Women's Health and Genetics/Laboratory Corporation of America, LabCorp
Classification: Uncertain significance. Last evaluated: 2026-04-20. Review status: criteria provided, single submitter. Criteria: LabCorp Variant Classification Summary - May 2015. Collection method: clinical testing. Allele origin: germline.
Comment: Variant summary: CHD1 c.122A>T (p.Asp41Val) results in a non-conservative amino acid change in the encoded protein sequence. Algorithms developed to predict the effect of missense changes on protein structure and function all suggest that this variant is likely to be disruptive. The variant was absent in 251392 control chromosomes. The available data on variant occurrences in the general population are insufficient to allow any conclusion about variant significance. To our knowledge, no occurrence of c.122A>T in individuals affected with CHD1-related conditions and no experimental evidence demonstrating its impact on protein function have been reported. No submitters have cited clinical-significance assessments for this variant to ClinVar. Based on the evidence outlined above, the variant was classified as uncertain significance.

NM_001270.4(CHD1):c.122A>T (p.Asp41Val)

Genes: CHD1 (chromodomain helicase DNA binding protein 1; minus strand), LOC126807465 (P300/CBP strongly-dependent group 1 enhancer GRCh37_chr5:98240158-98241357; plus strand). Cytogenetic location: 5q21.1.
Variant type: single nucleotide variant.
Coding change: c.122A>T on transcript NM_001270.4 (MANE Select); coding-DNA position 122, A replaced by T.
Protein change: p.Asp41Val; replaces aspartic acid 41 with valine.
Molecular consequence: missense variant. On other transcripts: non-coding transcript variant (2).
Genome position (GRCh38, 1-based): chr5:98,905,030, T>A on the plus strand (A>T on the coding strand, the complement: CHD1 is on the minus strand). VCF-style: chr5-98905030-T-A. GRCh37 (hg19) VCF-style: chr5-98240734-T-A.
Other names: c.122A>T, p.Asp41Val (NM_001364113.3, NM_001376194.2); short protein forms D41V.
Identifiers: ClinVar variation 4848405 (VCV004848405.1).
Genomic context (GRCh38, chr5:98,905,030, plus strand): 5'-TGACTGCCTGATTCAGATCCGGAGTCAGAGTCACTGCTACCTGACTGGCTACTGCTTCCA[T>A]CACTACTGCTTCCAGAACTCGAACCAGATCCAGAGCCTGAAGCTGACCCAGAATCATCAT-3'
Protein context (NP_001261.2, residues 31-51): GSGSSSGSSS[Asp41Val]GSSSQSGSSD